The following is an entry in ClinVar:

ClinVar aggregate classification (germline): Likely benign. Review status: criteria provided, multiple submitters, no conflicts (2 of 4 stars). 2 submissions from 2 submitters: Likely benign (2). Last evaluated 2024-11-11.

Allele frequency attached by ClinVar (database versions not stated): TOPMed below 0.00001; gnomAD exomes 0.00001.

Submissions (2):

Labcorp Genetics (formerly Invitae), Labcorp
Classification: Likely benign. Last evaluated: 2024-11-11. Review status: criteria provided, single submitter. Criteria: Invitae Variant Classification Sherloc (09022015). Collection method: clinical testing. Allele origin: germline.

GeneDx
Classification: Likely benign. Last evaluated: 2017-11-03. Review status: criteria provided, single submitter. Criteria: GeneDx Variant Classification (06012015). Collection method: clinical testing. Allele origin: germline. Affected: yes.
Comment: This variant is considered likely benign or benign based on one or more of the following criteria: it is a conservative change, it occurs at a poorly conserved position in the protein, it is predicted to be benign by multiple in silico algorithms, and/or has population frequency not consistent with disease.

NM_004614.5(TK2):c.156+8C>T

Gene: TK2 (thymidine kinase 2; minus strand). Cytogenetic location: 16q21.
Variant type: single nucleotide variant.
Coding change: c.156+8C>T on transcript NM_004614.5 (MANE Select); 8 bases into the intron after coding-DNA position 156, C replaced by T.
Molecular consequence: intron variant.
Genome position (GRCh38, 1-based): chr16:66,548,970, G>A on the plus strand (C>T on the coding strand, the complement: TK2 is on the minus strand). VCF-style: chr16-66548970-G-A. GRCh37 (hg19) VCF-style: chr16-66582873-G-A.
Other names: c.63+8C>T (NM_001271935.1, NM_001172643.1); c.156+8C>T (NM_001172644.2, NM_001172645.2); c.-87+8C>T (NM_001271934.2); c.-136+8C>T (NM_001272050.2).
Identifiers: ClinVar variation 513174 (VCV000513174.8), dbSNP rs933561946, ClinGen allele CA282198425.